The following is an entry in ClinVar:

NC_000004.11:g.(?_110772640)_(110773152_?)dup

Gene: LRIT3 (leucine rich repeat, Ig-like and transmembrane domains 3; plus strand). Cytogenetic location: 4q25.
Variant type: Duplication.
Identifiers: ClinVar variation 2427658 (VCV002427658.4).

ClinVar aggregate classification (germline): Uncertain significance (1 of 4 stars; one submission).

Submission:

Labcorp Genetics (formerly Invitae), Labcorp
Classification: Uncertain significance. Last evaluated: 2022-07-12. Review status: criteria provided, single submitter. Criteria: Invitae Variant Classification Sherloc (09022015). Collection method: clinical testing. Allele origin: germline.
Comment: In summary, the available evidence is currently insufficient to determine the role of this variant in disease. Therefore, it has been classified as a Variant of Uncertain Significance. This variant has not been reported in the literature in individuals affected with LRIT3-related conditions. This variant results in a copy number gain of the genomic region encompassing exon(s) 2 of the LRIT3 gene. While the exact position of this variant cannot be determined from the data, sub-genic copy number gains are generally in tandem (PMID: 25640679). This variant is predicted to be out-of-frame, and may result in an absent or disrupted protein product. However, the current clinical and genetic evidence is not sufficient to establish whether loss-of-function variants in LRIT3 cause disease.

Literature cited by the submitters: PubMed 25640679.